The following is an entry in ClinVar:

ClinVar aggregate classification (germline): Pathogenic (1 of 4 stars; one submission).

Submission:

Labcorp Genetics (formerly Invitae), Labcorp
Classification: Pathogenic. Last evaluated: 2025-10-20. Review status: criteria provided, single submitter. Criteria: Invitae Variant Classification Sherloc (09022015). Collection method: clinical testing. Allele origin: germline.
Comment: This sequence change creates a premature translational stop signal (p.Arg1301*) in the DCHS1 gene. It is expected to result in an absent or disrupted protein product. Loss-of-function variants in DCHS1 are known to be pathogenic (PMID: 24056717, 26258302). This variant is not present in population databases (gnomAD no frequency). This variant has not been reported in the literature in individuals affected with DCHS1-related conditions. For these reasons, this variant has been classified as Pathogenic.

Literature cited by the submitters: PubMed 24056717; PubMed 26258302.

NM_003737.4(DCHS1):c.3901C>T (p.Arg1301Ter)

Gene: DCHS1 (dachsous cadherin-related 1; minus strand). Cytogenetic location: 11p15.4.
Variant type: single nucleotide variant.
Coding change: c.3901C>T on transcript NM_003737.4 (MANE Select); coding-DNA position 3901, C replaced by T.
Protein change: p.Arg1301Ter; replaces arginine 1301 with a stop codon.
Molecular consequence: nonsense.
Genome position (GRCh38, 1-based): chr11:6,631,082, G>A on the plus strand (C>T on the coding strand, the complement: DCHS1 is on the minus strand). VCF-style: chr11-6631082-G-A. GRCh37 (hg19) VCF-style: chr11-6652313-G-A.
Other names: short protein forms R1301*.
Identifiers: ClinVar variation 4760853 (VCV004760853.1).
Genomic context (GRCh38, chr11:6,631,082, plus strand): 5'-CGGTAGCCAAGGGGAGGAAGGGCAGCCATACCTGCACCAGCAGCTGGAGGCTGGCACTTC[G>A]AGGAGGGCTGCCTTGGTCATGAGCACTCAGTGTCAGCACATAGTGGGGCCGCTCTGCTCG-3'